The following is an entry in ClinVar:

NM_007294.4(BRCA1):c.5477A>G (p.Gln1826Arg)

Gene: BRCA1 (BRCA1 DNA repair associated; minus strand). Cytogenetic location: 17q21.31.
Variant type: single nucleotide variant.
Coding change: c.5477A>G on transcript NM_007294.4 (MANE Select); coding-DNA position 5477, A replaced by G.
Protein change: p.Gln1826Arg; replaces glutamine 1826 with arginine.
Molecular consequence: missense variant. On other transcripts: synonymous variant (17).
Genome position (GRCh38, 1-based): chr17:43,045,793, T>C on the plus strand (A>G on the coding strand, the complement: BRCA1 is on the minus strand). VCF-style: chr17-43045793-T-C. GRCh37 (hg19) VCF-style: chr17-41197810-T-C.
Other names: c.5330A>G, p.Gln1777Arg (NM_001407847.1, NM_001407848.1, NM_001407849.1 and 12 more transcripts); c.5403A>G, p.Ala1801= (NM_001407854.1); c.5400A>G, p.Ala1800= (NM_001407858.1, NM_001407859.1, NM_001407860.1); c.5397A>G, p.Ala1799= (NM_001407861.1); c.5276A>G, p.Gln1759Arg (NM_001407862.1); c.5273A>G, p.Gln1758Arg (NM_001407863.1); c.5270A>G, p.Gln1757Arg (NM_001407874.1, NM_001407875.1); c.5267A>G, p.Gln1756Arg (NM_001407879.1, NM_001407881.1, NM_001407882.1 and 5 more transcripts); and 83 more; short protein forms Q1847R, Q722R, Q1779R, Q1826R, Q1714R, Q1737R, Q1782R, Q1784R.
Identifiers: ClinVar variation 868971 (VCV000868971.3), dbSNP rs730881499, ClinGen allele CA10590371.

Conditions:
Breast-ovarian cancer, familial, susceptibility to, 1 (BROVCA1). Also called: BRCA1 Hereditary Breast and Ovarian Cancer; OVARIAN CANCER, SUSCEPTIBILITY TO. Identifiers: Orphanet 145, MedGen C2676676, MONDO:0011450, OMIM 604370. Disease mechanism: loss of function.

Submission:

Brotman Baty Institute, University of Washington
No classification provided (evidence only). Condition: Breast-ovarian cancer, familial 1. Review status: no classification provided. Collection method: in vitro. Allele origin: not applicable. Functional consequence: functionally_normal.
ClinVar note: "not provided" was previously submitted as the classification for the variant. However, the classification appeared to be based only on an observation of functional data so it was converted to no classification on 2025-07-30.